The following is an entry in ClinVar:

ClinVar aggregate classification (germline): Uncertain significance. Review status: criteria provided, multiple submitters, no conflicts (2 of 4 stars). 2 submissions from 2 submitters: Uncertain significance (2). Last evaluated 2025-08-26.

Conditions:
Inborn genetic diseases. Identifiers: MedGen C0950123, MeSH D030342.

Allele frequency attached by ClinVar (database versions not stated): TOPMed below 0.00001; gnomAD exomes 0.00001.
gnomAD v4.1: 4 of 1,613,958 alleles (0.00025%); highest among the groups gnomAD compares: Non-Finnish European, 0.00025%; no homozygotes.

Submissions (2):

Ambry Genetics
Classification: Uncertain significance for Inborn genetic diseases. Last evaluated: 2025-08-26. Review status: criteria provided, single submitter. Criteria: Ambry Variant Classification Scheme 2023. Collection method: clinical testing. Allele origin: germline.

Labcorp Genetics (formerly Invitae), Labcorp
Classification: Uncertain significance. Last evaluated: 2022-03-13. Review status: criteria provided, single submitter. Criteria: Invitae Variant Classification Sherloc (09022015). Collection method: clinical testing. Allele origin: germline.
Comment: This sequence change replaces isoleucine, which is neutral and non-polar, with asparagine, which is neutral and polar, at codon 3070 of the CDH23 protein (p.Ile3070Asn). This variant is present in population databases (no rsID available, gnomAD 0.0009%). This variant has not been reported in the literature in individuals affected with CDH23-related conditions. Algorithms developed to predict the effect of missense changes on protein structure and function are either unavailable or do not agree on the potential impact of this missense change (SIFT: "Deleterious"; PolyPhen-2: "Not Available"; Align-GVGD: "Class C0"). In summary, the available evidence is currently insufficient to determine the role of this variant in disease. Therefore, it has been classified as a Variant of Uncertain Significance.

NM_022124.6(CDH23):c.9209T>A (p.Ile3070Asn)

Gene: CDH23 (cadherin related 23; plus strand). Cytogenetic location: 10q22.1.
Variant type: single nucleotide variant.
Coding change: c.9209T>A on transcript NM_022124.6 (MANE Select); coding-DNA position 9209, T replaced by A.
Protein change: p.Ile3070Asn; replaces isoleucine 3070 with asparagine.
Molecular consequence: missense variant.
Genome position (GRCh38, 1-based): chr10:71,811,521, T>A. VCF-style: chr10-71811521-T-A. GRCh37 (hg19) VCF-style: chr10-73571278-T-A.
Other names: c.9209T>A (NM_022124.5); c.2489T>A, p.Ile830Asn (NM_001171933.1, NM_001171934.1); short protein forms I3070N, I830N.
Identifiers: ClinVar variation 2061256 (VCV002061256.2), dbSNP rs895474705, ClinGen allele CA209442555.
Genomic context (GRCh38, chr10:71,811,521, plus strand): 5'-CCTAGCCGCCCTCCCCACTGCCCGGGCTTACCCTGGTCCTGCTCCCGCAGATGGCGATCA[T>A]CGTCCTGGCTATCCTCCTGTTCCTGGCCGCCATGCTCTTTGTCCTCATGAACTGGTACTA-3'
Protein context (NP_071407.4, residues 3060-3080): DDMSALQMAI[Ile3070Asn]VLAILLFLAA